The following is an entry in ClinVar:

ClinVar aggregate classification (germline): Pathogenic (1 of 4 stars; one submission).

Submission:

Labcorp Genetics (formerly Invitae), Labcorp
Classification: Pathogenic. Last evaluated: 2023-09-19. Review status: criteria provided, single submitter. Criteria: Invitae Variant Classification Sherloc (09022015). Collection method: clinical testing. Allele origin: germline.
Comment: For these reasons, this variant has been classified as Pathogenic. Algorithms developed to predict the effect of sequence changes on RNA splicing suggest that this variant may disrupt the consensus splice site. This variant has not been reported in the literature in individuals affected with ADGRV1-related conditions. This variant is not present in population databases (gnomAD no frequency). This sequence change creates a premature translational stop signal (p.Ile4517Asnfs*13) in the ADGRV1 gene. It is expected to result in an absent or disrupted protein product. Loss-of-function variants in ADGRV1 are known to be pathogenic (PMID: 19357117, 22135276, 22147658, 26226137, 30718709, 31047384, 32467589).

Literature cited by the submitters: PubMed 19357117; PubMed 22135276; PubMed 22147658; PubMed 26226137; PubMed 30718709; PubMed 31047384; PubMed 32467589.

NM_032119.4(ADGRV1):c.13549dup (p.Ile4517fs)

Gene: ADGRV1 (adhesion G protein-coupled receptor V1; plus strand). Cytogenetic location: 5q14.3.
Variant type: Duplication.
Coding change: c.13549dup on transcript NM_032119.4 (MANE Select); coding-DNA position 13549, one base duplicated (A; older notation c.13549dupA).
Protein change: p.Ile4517fs; shifts the reading frame from isoleucine 4517.
Molecular consequence: frameshift variant. On other transcripts: non-coding transcript variant (1).
Genome position (GRCh38, 1-based): chr5:90,783,953, A duplicated. VCF-style (leftmost placement, unchanged base first): chr5-90783952-T-TA. GRCh37 (hg19) VCF-style: chr5-90079769-T-TA.
Other names: short protein forms I4517fs.
Identifiers: ClinVar variation 2824673 (VCV002824673.3), dbSNP rs2531938775, ClinGen allele CA2739274900.
Genomic context (GRCh38, chr5:90,783,952, plus strand): 5'-CCTTGGGCGCCACCTAGTGAGCAGAATCATAATAGCTAAGAGTGACTCTCCCTTTGGAGT[T>TA]ATAAGGTTTCTCAATCAAAGCAAAATTTCTATTGCTAATCCCAATTCCACAATGATTTTA-3'